The following is an entry in ClinVar:

ClinVar aggregate classification (germline): Uncertain significance (1 of 4 stars; one submission).

Conditions:
Ullrich congenital muscular dystrophy 2 (UCMD2). Identifiers: Orphanet 75840, MedGen C4225314, MONDO:0014654, OMIM 616470.
Bethlem myopathy 2 (BTHLM2). Identifiers: Orphanet 536516, Orphanet 610, MedGen C4225313, MONDO:0034022, OMIM 616471.

Allele frequency attached by ClinVar (database versions not stated): TOPMed below 0.00001; gnomAD 0.00001; gnomAD exomes 0.00001.
gnomAD v4.1: 8 of 1,613,304 alleles (0.0005%); highest among the groups gnomAD compares: Non-Finnish European, 0.00068%; no homozygotes.

Submission:

Labcorp Genetics (formerly Invitae), Labcorp
Classification: Uncertain significance for Bethlem myopathy 2; Ullrich congenital muscular dystrophy 2. Last evaluated: 2023-11-27. Review status: criteria provided, single submitter. Criteria: Invitae Variant Classification Sherloc (09022015). Collection method: clinical testing. Allele origin: germline.
Comment: This sequence change replaces leucine, which is neutral and non-polar, with proline, which is neutral and non-polar, at codon 2237 of the COL12A1 protein (p.Leu2237Pro). This variant is present in population databases (no rsID available, gnomAD 0.002%). This variant has not been reported in the literature in individuals affected with COL12A1-related conditions. ClinVar contains an entry for this variant (Variation ID: 1051373). Advanced modeling of protein sequence and biophysical properties (such as structural, functional, and spatial information, amino acid conservation, physicochemical variation, residue mobility, and thermodynamic stability) has been performed at Invitae for this missense variant, however the output from this modeling did not meet the statistical confidence thresholds required to predict the impact of this variant on COL12A1 protein function. In summary, the available evidence is currently insufficient to determine the role of this variant in disease. Therefore, it has been classified as a Variant of Uncertain Significance.

NM_004370.6(COL12A1):c.6710T>C (p.Leu2237Pro)

Gene: COL12A1 (collagen type XII alpha 1 chain; minus strand). Cytogenetic location: 6q13.
Variant type: single nucleotide variant.
Coding change: c.6710T>C on transcript NM_004370.6 (MANE Select); coding-DNA position 6710, T replaced by C.
Protein change: p.Leu2237Pro; replaces leucine 2237 with proline.
Molecular consequence: missense variant.
Genome position (GRCh38, 1-based): chr6:75,124,269, A>G on the plus strand (T>C on the coding strand, the complement: COL12A1 is on the minus strand). VCF-style: chr6-75124269-A-G. GRCh37 (hg19) VCF-style: chr6-75833985-A-G.
Other names: c.3218T>C, p.Leu1073Pro (NM_080645.3); short protein forms L1073P, L2237P.
Identifiers: ClinVar variation 1051373 (VCV001051373.11), dbSNP rs1298620930, ClinGen allele CA364728834.
Genomic context (GRCh38, chr6:75,124,269, plus strand): 5'-TTCCACTACATGCTCCAGATCATTTTTTTCTTTTTTACACACATACCATCTGCAGGGCTT[A>G]GTTTTAGCCTGTAGGAGGTGGCTGCCCGGTGAGGTGACCATTTGACACAGAATGTATCCC-3'
Protein context (NP_004361.3, residues 2227-2247): HRAATSYRLK[Leu2237Pro]SPADGTRGQE